The following is an entry in ClinVar:

NM_001042492.3(NF1):c.590_600del (p.Thr197fs)

Gene: NF1 (neurofibromin 1; plus strand). Cytogenetic location: 17q11.2.
Variant type: Deletion.
Coding change: c.590_600del on transcript NM_001042492.3 (MANE Select); coding-DNA positions 590 to 600, 11 bases deleted (CAGCATTTAAA).
Protein change: p.Thr197fs; shifts the reading frame from threonine 197.
Molecular consequence: frameshift variant.
Genome position (GRCh38, 1-based): chr17:31,181,425-31,181,435, CAGCATTTAAA deleted; deleting any 11 consecutive bases within chr17:31,181,422-31,181,435 gives the same sequence; the c. name uses the placement nearest the transcript's 3' end. VCF-style (leftmost placement, unchanged base first): chr17-31181421-GAAACAGCATTT-G. GRCh37 (hg19) VCF-style: chr17-29508439-GAAACAGCATTT-G.
Other names: c.590_600delCAGCATTTAAA, p.Thr197Ilefs (NM_000267.4); c.590_600del, p.Thr197fs (NM_001128147.3); short protein forms T197fs.
Identifiers: ClinVar variation 2750597 (VCV002750597.3), dbSNP rs2544747516, ClinGen allele CA2697559662.

ClinVar aggregate classification (germline): Pathogenic (1 of 4 stars; one submission).

Conditions:
Neurofibromatosis, type 1 (NF1). Also called: Peripheral type neurofibromatosis; NEUROFIBROMATOSIS, TYPE I, SOMATIC; VON RECKLINGHAUSEN DISEASE; Neurofibromatosis, type I. Identifiers: Orphanet 636, MedGen C0027831, MONDO:0018975, OMIM 162200. Disease mechanism: loss of function.

Submission:

Labcorp Genetics (formerly Invitae), Labcorp
Classification: Pathogenic for Neurofibromatosis, type 1. Last evaluated: 2023-08-06. Review status: criteria provided, single submitter. Criteria: Invitae Variant Classification Sherloc (09022015). Collection method: clinical testing. Allele origin: germline.
Comment: For these reasons, this variant has been classified as Pathogenic. Algorithms developed to predict the effect of sequence changes on RNA splicing suggest that this variant may disrupt the consensus splice site. This variant has not been reported in the literature in individuals affected with NF1-related conditions. This variant is not present in population databases (gnomAD no frequency). This sequence change creates a premature translational stop signal (p.Thr197Ilefs*2) in the NF1 gene. It is expected to result in an absent or disrupted protein product. Loss-of-function variants in NF1 are known to be pathogenic (PMID: 10712197, 23913538).

Literature cited by the submitters: PubMed 10712197; PubMed 23913538.